The following is an entry in ClinVar:

NM_014866.2(SEC16A):c.5253T>C (p.Gly1751=)

Gene: SEC16A (SEC16 homolog A, endoplasmic reticulum export factor; minus strand). Cytogenetic location: 9q34.3.
Variant type: single nucleotide variant.
Coding change: c.5253T>C on transcript NM_014866.2 (MANE Select); coding-DNA position 5253, T replaced by C.
Protein change: p.Gly1751=; no amino-acid change (glycine 1751 retained).
Molecular consequence: synonymous variant.
Genome position (GRCh38, 1-based): chr9:136,459,494, A>G on the plus strand (T>C on the coding strand, the complement: SEC16A is on the minus strand). VCF-style: chr9-136459494-A-G. GRCh37 (hg19) VCF-style: chr9-139353946-A-G.
Other names: c.5253T>C, p.Gly1751= (NM_001276418.2).
Identifiers: ClinVar variation 2659738 (VCV002659738.24), dbSNP rs375857850, ClinGen allele CA5337982.

ClinVar aggregate classification (germline): Likely benign (1 of 4 stars; one submission).

Allele frequency attached by ClinVar (database versions not stated): ESP Exome Variant Server 0.00017; gnomAD 0.00031; 1000 Genomes Project 0.00040; ExAC 0.00044; gnomAD exomes 0.00044; 1000 Genomes Project 30x 0.00047; TOPMed 0.00056.
gnomAD v4.1: 700 of 1,608,196 alleles (0.044%); highest among the groups gnomAD compares: Admixed American, 0.11%; no homozygotes.

Submission:

CeGaT Center for Human Genetics Tuebingen
Classification: Likely benign. Last evaluated: 2022-07-01. Review status: criteria provided, single submitter. Criteria: CeGaT Center For Human Genetics Tuebingen Variant Classification Criteria Version 2. Collection method: clinical testing. Allele origin: germline. Affected: yes. Observed: 1 variant allele.
Comment: SEC16A: BP4, BP7